The following is an entry in ClinVar:

ClinVar aggregate classification (germline): Uncertain significance (1 of 4 stars; one submission).

Conditions:
PLXNA2-related disorder. Also called: PLXNA2-related condition.

gnomAD v4.1: 1 of 1,613,328 alleles (0.000062%); highest among the groups gnomAD compares: South Asian, 0.0011%; no homozygotes.

Submission:

PreventionGenetics, part of Exact Sciences
Classification: Uncertain significance for PLXNA2-related condition. Last evaluated: 2026-09-14. Review status: criteria provided, single submitter. Criteria: ACMG Guidelines, 2015. Collection method: clinical testing. Allele origin: germline.
Comment: The PLXNA2 c.53T>C variant is predicted to result in the amino acid substitution p.Val18Ala. To our knowledge, this variant has not been reported in the literature or in a large population database (gnomAD), indicating this variant is rare. At this time, the clinical significance of this variant is uncertain due to the absence of conclusive functional and genetic evidence.

NM_025179.4(PLXNA2):c.53T>C (p.Val18Ala)

Gene: PLXNA2 (plexin A2; minus strand). Cytogenetic location: 1q32.2.
Variant type: single nucleotide variant.
Coding change: c.53T>C on transcript NM_025179.4 (MANE Select); coding-DNA position 53, T replaced by C.
Protein change: p.Val18Ala; replaces valine 18 with alanine.
Molecular consequence: missense variant.
Genome position (GRCh38, 1-based): chr1:208,217,870, A>G on the plus strand (T>C on the coding strand, the complement: PLXNA2 is on the minus strand). VCF-style: chr1-208217870-A-G. GRCh37 (hg19) VCF-style: chr1-208391215-A-G.
Other names: short protein forms V18A.
Identifiers: ClinVar variation 4995775 (VCV004995775.1).